The following is an entry in ClinVar:

ClinVar aggregate classification (germline): Conflicting classifications of pathogenicity. Review status: criteria provided, conflicting classifications (1 of 4 stars). 2 submissions from 2 submitters: Uncertain significance (1); Likely benign (1). Last evaluated 2024-10-17.

Conditions:
Hereditary cancer-predisposing syndrome. Also called: Neoplastic Syndromes, Hereditary; Tumor predisposition; Hereditary neoplastic syndrome; Hereditary Cancer Syndrome. Identifiers: Orphanet 140162, MedGen C0027672, MeSH D009386, MONDO:0015356.
EGFR-related lung cancer (EGFR). Identifiers: MedGen CN130014.

Allele frequency attached by ClinVar (database versions not stated): gnomAD exomes below 0.00001 and 0.00002; ExAC 0.00003; gnomAD 0.00003; TOPMed 0.00003; ESP Exome Variant Server 0.00008.
gnomAD v4.1: 5 of 1,614,048 alleles (0.00031%); highest among the groups gnomAD compares: African/African-American, 0.0067%; no homozygotes.

Submissions (2):

Ambry Genetics
Classification: Likely benign for Hereditary cancer-predisposing syndrome. Last evaluated: 2024-10-17. Review status: criteria provided, single submitter. Criteria: Ambry Variant Classification Scheme 2023. Collection method: clinical testing. Allele origin: germline.

Labcorp Genetics (formerly Invitae), Labcorp
Classification: Uncertain significance for EGFR-related lung cancer. Last evaluated: 2024-05-13. Review status: criteria provided, single submitter. Criteria: Invitae Variant Classification Sherloc (09022015). Collection method: clinical testing. Allele origin: germline.
Comment: This sequence change replaces glutamine, which is neutral and polar, with glutamic acid, which is acidic and polar, at codon 1143 of the EGFR protein (p.Gln1143Glu). This variant is present in population databases (rs145189325, gnomAD 0.02%). This variant has not been reported in the literature in individuals affected with EGFR-related conditions. ClinVar contains an entry for this variant (Variation ID: 1352383). An algorithm developed to predict the effect of missense changes on protein structure and function (PolyPhen-2) suggests that this variant is likely to be tolerated. In summary, the available evidence is currently insufficient to determine the role of this variant in disease. Therefore, it has been classified as a Variant of Uncertain Significance.

NM_005228.5(EGFR):c.3427C>G (p.Gln1143Glu)

Gene: EGFR (epidermal growth factor receptor; plus strand). Cytogenetic location: 7p11.2.
Variant type: single nucleotide variant.
Coding change: c.3427C>G on transcript NM_005228.5 (MANE Select); coding-DNA position 3427, C replaced by G.
Protein change: p.Gln1143Glu; replaces glutamine 1143 with glutamic acid.
Molecular consequence: missense variant.
Genome position (GRCh38, 1-based): chr7:55,205,411, C>G. VCF-style: chr7-55205411-C-G. GRCh37 (hg19) VCF-style: chr7-55273104-C-G.
Other names: c.3292C>G, p.Gln1098Glu (NM_001346899.2); c.3268C>G, p.Gln1090Glu (NM_001346900.2); c.2626C>G, p.Gln876Glu (NM_001346941.2); c.3427C>G (NM_005228.3); short protein forms Q1090E, Q1143E, Q876E, Q1098E.
Identifiers: ClinVar variation 1352383 (VCV001352383.9), dbSNP rs145189325, ClinGen allele CA4266401.